The following is an entry in ClinVar:

NM_005159.5(ACTC1):c.482T>A (p.Val161Glu)

Genes: ACTC1 (actin alpha cardiac muscle 1; minus strand), GJD2-DT (GJD2 divergent transcript; plus strand). Cytogenetic location: 15q14.
Variant type: single nucleotide variant.
Coding change: c.482T>A on transcript NM_005159.5 (MANE Select); coding-DNA position 482, T replaced by A.
Protein change: p.Val161Glu; replaces valine 161 with glutamic acid.
Molecular consequence: missense variant.
Genome position (GRCh38, 1-based): chr15:34,792,542, A>T on the plus strand (T>A on the coding strand, the complement: ACTC1 is on the minus strand). VCF-style: chr15-34792542-A-T. GRCh37 (hg19) VCF-style: chr15-35084743-A-T.
Other names: c.482T>A, p.Val161Glu (NM_001406482.1, NM_001406483.1); c.347T>A, p.Val116Glu (NM_001406484.1); c.41T>A, p.Val14Glu (NM_001406485.1); short protein forms V14E, V161E, V116E.
Identifiers: ClinVar variation 3263746 (VCV003263746.1).

ClinVar aggregate classification (germline): Uncertain significance (1 of 4 stars; one submission).

Conditions:
Cardiovascular phenotype. Identifiers: MedGen CN230736.

Submission:

Ambry Genetics
Classification: Uncertain significance for Cardiovascular phenotype. Last evaluated: 2024-06-15. Review status: criteria provided, single submitter. Criteria: Ambry Variant Classification Scheme 2023. Collection method: clinical testing. Allele origin: germline.
Comment: The p.V161E variant (also known as c.482T>A), located in coding exon 3 of the ACTC1 gene, results from a T to A substitution at nucleotide position 482. The valine at codon 161 is replaced by glutamic acid, an amino acid with dissimilar properties. This amino acid position is conserved. In addition, this alteration is predicted to be deleterious by in silico analysis. Based on the available evidence, the clinical significance of this variant remains unclear.